The following is an entry in ClinVar:

ClinVar aggregate classification (germline): Uncertain significance. Review status: criteria provided, multiple submitters, no conflicts (2 of 4 stars). 2 submissions from 2 submitters: Uncertain significance (2). Last evaluated 2025-01-19.

Conditions:
Multiple endocrine neoplasia, type 2 (MEN2). Identifiers: Orphanet 653, MedGen C4048306, MONDO:0019003. Disease mechanism: gain of function.
Hereditary cancer-predisposing syndrome. Also called: Hereditary neoplastic syndrome; Hereditary Cancer Syndrome; Neoplastic Syndromes, Hereditary; Tumor predisposition. Identifiers: Orphanet 140162, MedGen C0027672, MeSH D009386, MONDO:0015356.

Submissions (2):

Labcorp Genetics (formerly Invitae), Labcorp
Classification: Uncertain significance for Multiple endocrine neoplasia, type 2. Last evaluated: 2025-01-19. Review status: criteria provided, single submitter. Criteria: Invitae Variant Classification Sherloc (09022015). Collection method: clinical testing. Allele origin: germline.
Comment: This sequence change replaces leucine, which is neutral and non-polar, with proline, which is neutral and non-polar, at codon 1048 of the RET protein (p.Leu1048Pro). This variant is not present in population databases (gnomAD no frequency). This variant has not been reported in the literature in individuals affected with RET-related conditions. ClinVar contains an entry for this variant (Variation ID: 2568366). An algorithm developed to predict the effect of missense changes on protein structure and function (PolyPhen-2) suggests that this variant is likely to be tolerated. In summary, the available evidence is currently insufficient to determine the role of this variant in disease. Therefore, it has been classified as a Variant of Uncertain Significance.

Ambry Genetics
Classification: Uncertain significance for Hereditary cancer-predisposing syndrome. Last evaluated: 2023-05-18. Review status: criteria provided, single submitter. Criteria: Ambry Variant Classification Scheme 2023. Collection method: clinical testing. Allele origin: germline.
Comment: The p.L1048P variant (also known as c.3143T>C), located in coding exon 19 of the RET gene, results from a T to C substitution at nucleotide position 3143. The leucine at codon 1048 is replaced by proline, an amino acid with similar properties. This amino acid position is conserved. In addition, the in silico prediction for this alteration is inconclusive. Since supporting evidence is limited at this time, the clinical significance of this alteration remains unclear.

NM_020975.6(RET):c.3143T>C (p.Leu1048Pro)

Gene: RET (ret proto-oncogene; plus strand). Cytogenetic location: 10q11.21.
Variant type: single nucleotide variant.
Coding change: c.3143T>C on transcript NM_020975.6 (MANE Select); coding-DNA position 3143, T replaced by C.
Protein change: p.Leu1048Pro; replaces leucine 1048 with proline.
Molecular consequence: missense variant. On other transcripts: intron variant (4).
Genome position (GRCh38, 1-based): chr10:43,126,678, T>C. VCF-style: chr10-43126678-T-C. GRCh37 (hg19) VCF-style: chr10-43622126-T-C.
Other names: c.3143T>C, p.Leu1048Pro (NM_000323.2, NM_001406743.1, NM_001406744.1 and 2 more transcripts); c.2381T>C, p.Leu794Pro (NM_001355216.2); c.3014T>C, p.Leu1005Pro (NM_001406761.1, NM_001406762.1, NM_001406764.1); c.3008T>C, p.Leu1003Pro (NM_001406763.1, NM_001406765.1); c.2855T>C, p.Leu952Pro (NM_001406766.1, NM_001406767.1, NM_001406770.1); c.2879T>C, p.Leu960Pro (NM_001406768.1); c.2747T>C, p.Leu916Pro (NM_001406769.1, NM_001406772.1); c.2705T>C, p.Leu902Pro (NM_001406771.1, NM_001406773.1); and 13 more; short protein forms L916P, L952P, L1003P, L1048P, L718P, L749P, L873P, L1005P.
Identifiers: ClinVar variation 2568366 (VCV002568366.4), dbSNP rs2133036390, ClinGen allele CA376558480.
Genomic context (GRCh38, chr10:43,126,678, plus strand): 5'-TTTATGACGACGGCCTCTCAGAGGAGGAGACACCGCTGGTGGACTGTAATAATGCCCCCC[T>C]CCCTCGAGCCCTCCCTTCCACATGGATTGAAAACAAACTCTATGGTAGAATTTCCCATGC-3'
Protein context (NP_066124.1, residues 1038-1058): TPLVDCNNAP[Leu1048Pro]PRALPSTWIE